The following is an entry in ClinVar:

ClinVar aggregate classification (germline): Likely pathogenic. Review status: criteria provided, single submitter (1 of 4 stars). 2 submissions from 2 submitters: Likely pathogenic (1). 1 of the submissions does not count toward it. Last evaluated 2025-03-12.

Conditions:
Wilson disease (WND). Also called: Wilson's disease. Identifiers: Orphanet 905, MedGen C0019202, MONDO:0010200, OMIM 277900. Disease mechanism: loss of function.

Allele frequency attached by ClinVar (database versions not stated): gnomAD 0.00001.
gnomAD v4.1: 2 of 1,613,584 alleles (0.00012%); highest among the groups gnomAD compares: East Asian, 0.0022%; no homozygotes.

Submissions (2):

Natera, Inc.
Classification: Likely pathogenic for Wilson disease. Last evaluated: 2025-03-12. Review status: criteria provided, single submitter. Criteria: Natera Variant Classification Schema (03/2026). Collection method: clinical testing. Allele origin: germline.
Comment: The c.4064G>A variant in ATP7B is a missense variant predicted to cause substitution of glycine to aspartic acid at amino acid 1355. This variant is rare in the general population with a frequency below the threshold expected for the associated phenotype(s). This variant has been observed in one or more individuals affected with the associated recessive disease, as either homozygous or compound heterozygous with a second variant (PMID: 38847512, 35222532). This variant has been identified in one or more affected individuals with a phenotype highly consistent with the associated gene (PMID: 38847512). Functional studies show that this variant may disrupt protein function (PMID: 20931554). Computational prediction algorithms indicate this variant is likely to affect gene or protein function. Given the available evidence, this variant is classified as Likely Pathogenic.

Counsyl
Classification: Uncertain significance for Wilson disease. Last evaluated: 2018-02-13. Review status: no assertion criteria provided. Collection method: clinical testing. Allele origin: unknown. Not counted in ClinVar's aggregate classification.

Literature cited by the submitters: PubMed 38847512 (cited by Natera, Inc.); PubMed 35222532 (cited by Natera, Inc.); PubMed 20931554 (cited by Natera, Inc. and Counsyl); PubMed 27022412 (cited by Counsyl).

NM_000053.4(ATP7B):c.4064G>A (p.Gly1355Asp)

Gene: ATP7B (ATPase copper transporting beta; minus strand). Cytogenetic location: 13q14.3.
Variant type: single nucleotide variant.
Coding change: c.4064G>A on transcript NM_000053.4 (MANE Select); coding-DNA position 4064, G replaced by A.
Protein change: p.Gly1355Asp; replaces glycine 1355 with aspartic acid.
Molecular consequence: missense variant.
Genome position (GRCh38, 1-based): chr13:51,935,653, C>T on the plus strand (G>A on the coding strand, the complement: ATP7B is on the minus strand). VCF-style: chr13-51935653-C-T. GRCh37 (hg19) VCF-style: chr13-52509789-C-T.
Other names: c.3443G>A, p.Gly1148Asp (NM_001005918.3); c.3731G>A, p.Gly1244Asp (NM_001243182.2); c.3830G>A, p.Gly1277Asp (NM_001330578.2); c.3812G>A, p.Gly1271Asp (NM_001330579.2); short protein forms G1355D, G1271D, G1148D, G1244D, G1277D.
Identifiers: ClinVar variation 556609 (VCV000556609.3), dbSNP rs1305262063, ClinGen allele CA388020157.
Genomic context (GRCh38, chr13:51,935,653, plus strand): 5'-CACTTGAGCTGCAGGGATGAGAGCACCACAGACACAGAGGAGGCTGCCATGGCCGCTGAG[C>T]CCATCCAGGGCTGCAGCACAATGCCGATGGGCATGAAGACACCTGGGGAAGAAAGAACTC-3'
Protein context (NP_000044.2, residues 1345-1365): PIGIVLQPWM[Gly1355Asp]SAAMAASSVS